The following is an entry in ClinVar:

NM_144666.3(DNHD1):c.6610G>A (p.Val2204Ile)

Gene: DNHD1 (dynein heavy chain domain 1; plus strand). Cytogenetic location: 11p15.4.
Variant type: single nucleotide variant.
Coding change: c.6610G>A on transcript NM_144666.3 (MANE Select); coding-DNA position 6610, G replaced by A.
Protein change: p.Val2204Ile; replaces valine 2204 with isoleucine.
Molecular consequence: missense variant.
Genome position (GRCh38, 1-based): chr11:6,547,549, G>A. VCF-style: chr11-6547549-G-A. GRCh37 (hg19) VCF-style: chr11-6568779-G-A.
Other names: c.6610G>A (NM_144666.2); short protein forms V2204I.
Identifiers: ClinVar variation 1057294 (VCV001057294.11), dbSNP rs189145820, ClinGen allele CA5856147.

ClinVar aggregate classification (germline): Uncertain significance. Review status: criteria provided, multiple submitters, no conflicts (2 of 4 stars). 2 submissions from 2 submitters: Uncertain significance (2). Last evaluated 2025-11-24.

Allele frequency attached by ClinVar (database versions not stated): gnomAD exomes 0.00001; ExAC 0.00005; 1000 Genomes Project 0.00020; 1000 Genomes Project 30x 0.00031.
gnomAD v4.1: 9 of 1,551,124 alleles (0.00058%); highest among the groups gnomAD compares: Admixed American, 0.012%; no homozygotes.

Submissions (2):

Ambry Genetics
Classification: Uncertain significance. Last evaluated: 2025-11-24. Review status: criteria provided, single submitter. Criteria: Ambry Variant Classification Scheme 2023. Collection method: clinical testing. Allele origin: germline.

Labcorp Genetics (formerly Invitae), Labcorp
Classification: Uncertain significance. Last evaluated: 2017-08-16. Review status: criteria provided, single submitter. Criteria: Invitae Variant Classification Sherloc (09022015). Collection method: clinical testing. Allele origin: germline.
Comment: Algorithms developed to predict the effect of missense changes on protein structure and function output the following: SIFT: "Tolerated"; PolyPhen-2: "Benign"; Align-GVGD: "Class C0". The isoleucine amino acid residue is found in multiple mammalian species, suggesting that this missense change does not adversely affect protein function. These predictions have not been confirmed by published functional studies and their clinical significance is uncertain. In summary, the available evidence is currently insufficient to determine the role of this variant in disease. Therefore, it has been classified as a Variant of Uncertain Significance. This variant has not been reported in the literature in individuals with DNHD1-related disease. This variant is present in population databases (rs189145820, ExAC 0.2%). This sequence change replaces valine with isoleucine at codon 2204 of the DNHD1 protein (p.Val2204Ile). The valine residue is moderately conserved and there is a small physicochemical difference between valine and isoleucine.